The following is an entry in ClinVar:

NM_176824.3(BBS7):c.983C>A (p.Pro328Gln)

Gene: BBS7 (Bardet-Biedl syndrome 7; minus strand). Cytogenetic location: 4q27.
Variant type: single nucleotide variant.
Coding change: c.983C>A on transcript NM_176824.3 (MANE Select); coding-DNA position 983, C replaced by A.
Protein change: p.Pro328Gln; replaces proline 328 with glutamine.
Molecular consequence: missense variant.
Genome position (GRCh38, 1-based): chr4:121,847,458, G>T on the plus strand (C>A on the coding strand, the complement: BBS7 is on the minus strand). VCF-style: chr4-121847458-G-T. GRCh37 (hg19) VCF-style: chr4-122768613-G-T.
Other names: c.983C>A, p.Pro328Gln (NM_018190.4); short protein forms P328Q.
Identifiers: ClinVar variation 1392681 (VCV001392681.6), dbSNP rs778714139, ClinGen allele CA3064351.
Genomic context (GRCh38, chr4:121,847,458, plus strand): 5'-AGTTACCGTAAGGAAGAAATTTTATTCTGCATCTCCTGATTAATTTTTAGTTCTTCTCCT[G>T]GTCCACTTTCCTTATGAATGGGCTCTGTTGTCAGACCTGTAACCCAGCCTGTAGAGATGA-3'
Protein context (NP_789794.1, residues 318-338): TTEPIHKESG[Pro328Gln]GEELKINQEM

ClinVar aggregate classification (germline): Uncertain significance. Review status: criteria provided, multiple submitters, no conflicts (2 of 4 stars). 2 submissions from 2 submitters: Uncertain significance (2). Last evaluated 2024-10-29.

Conditions:
Bardet-Biedl syndrome 7 (BBS7). Identifiers: Orphanet 110, MedGen C1859565, MONDO:0014435, OMIM 615984.
Bardet-Biedl syndrome (BBS). Identifiers: Orphanet 110, MedGen C0752166, MONDO:0015229.

Allele frequency attached by ClinVar (database versions not stated): ExAC 0.00001; gnomAD exomes 0.00001 and 0.00002; TOPMed 0.00002.
gnomAD v4.1: 24 of 1,613,716 alleles (0.0015%); highest among the groups gnomAD compares: Non-Finnish European, 0.0017%; no homozygotes.

Submissions (2):

Labcorp Genetics (formerly Invitae), Labcorp
Classification: Uncertain significance for Bardet-Biedl syndrome. Last evaluated: 2024-10-29. Review status: criteria provided, single submitter. Criteria: Invitae Variant Classification Sherloc (09022015). Collection method: clinical testing. Allele origin: germline.
Comment: This sequence change replaces proline, which is neutral and non-polar, with glutamine, which is neutral and polar, at codon 328 of the BBS7 protein (p.Pro328Gln). This variant is present in population databases (rs778714139, gnomAD 0.004%). This variant has not been reported in the literature in individuals affected with BBS7-related conditions. ClinVar contains an entry for this variant (Variation ID: 1392681). Invitae Evidence Modeling of protein sequence and biophysical properties (such as structural, functional, and spatial information, amino acid conservation, physicochemical variation, residue mobility, and thermodynamic stability) indicates that this missense variant is not expected to disrupt BBS7 protein function with a negative predictive value of 80%. In summary, the available evidence is currently insufficient to determine the role of this variant in disease. Therefore, it has been classified as a Variant of Uncertain Significance.

Fulgent Genetics
Classification: Uncertain significance for Bardet-Biedl syndrome 7. Last evaluated: 2022-01-01. Review status: criteria provided, single submitter. Criteria: ACMG Guidelines, 2015. Collection method: clinical testing. Allele origin: unknown.